The following is an entry in ClinVar:

ClinVar aggregate classification (germline): Uncertain significance (1 of 4 stars; one submission).

Conditions:
Developmental and epileptic encephalopathy, 21 (DEE21). Also called: Early infantile epileptic encephalopathy 21. Identifiers: Orphanet 442835, MedGen C4014430, MONDO:0014360, OMIM 615833.

Allele frequency attached by ClinVar (database versions not stated): TOPMed below 0.00001.

Submission:

Labcorp Genetics (formerly Invitae), Labcorp
Classification: Uncertain significance for Developmental and epileptic encephalopathy, 21. Last evaluated: 2020-01-23. Review status: criteria provided, single submitter. Criteria: Invitae Variant Classification Sherloc (09022015). Collection method: clinical testing. Allele origin: germline.
Comment: This sequence change replaces alanine with valine at codon 266 of the NECAP1 protein (p.Ala266Val). The alanine residue is weakly conserved and there is a small physicochemical difference between alanine and valine. This variant is not present in population databases (ExAC no frequency). This variant has not been reported in the literature in individuals with NECAP1-related conditions. Algorithms developed to predict the effect of missense changes on protein structure and function (SIFT, PolyPhen-2, Align-GVGD) all suggest that this variant is likely to be tolerated, but these predictions have not been confirmed by published functional studies and their clinical significance is uncertain. Algorithms developed to predict the effect of sequence changes on RNA splicing suggest that this variant may create or strengthen a splice site, but this prediction has not been confirmed by published transcriptional studies. In summary, the available evidence is currently insufficient to determine the role of this variant in disease. Therefore, it has been classified as a Variant of Uncertain Significance.

NM_015509.4(NECAP1):c.797C>T (p.Ala266Val)

Gene: NECAP1 (NECAP endocytosis associated 1; plus strand). Cytogenetic location: 12p13.31.
Variant type: single nucleotide variant.
Coding change: c.797C>T on transcript NM_015509.4 (MANE Select); coding-DNA position 797, C replaced by T.
Protein change: p.Ala266Val; replaces alanine 266 with valine.
Molecular consequence: missense variant. On other transcripts: non-coding transcript variant (1).
Genome position (GRCh38, 1-based): chr12:8,096,059, C>T. VCF-style: chr12-8096059-C-T. GRCh37 (hg19) VCF-style: chr12-8248655-C-T.
Other names: short protein forms A266V.
Identifiers: ClinVar variation 1047283 (VCV001047283.10), dbSNP rs1020014973, ClinGen allele CA232567194.